The following is an entry in ClinVar:

ClinVar aggregate classification (germline): Benign/Likely benign. Review status: criteria provided, multiple submitters, no conflicts (2 of 4 stars). 9 submissions from 9 submitters: Benign (3); Likely benign (3). 3 of the submissions do not count toward it. Last evaluated 2026-07-01.

Conditions:
FAT4-related disorder. Also called: FAT4-related condition.

Allele frequency attached by ClinVar (database versions not stated): ESP Exome Variant Server 0.00100; gnomAD 0.00113 and 0.00119; TOPMed 0.00123; gnomAD exomes 0.00125 and 0.00182; 1000 Genomes Project 0.00180; 1000 Genomes Project 30x 0.00187; ExAC 0.00190.
gnomAD v4.1: 2,057 of 1,614,202 alleles (0.13%); highest among the groups gnomAD compares: Middle Eastern, 0.73%; 11 homozygotes.

Submissions (9):

CeGaT Center for Human Genetics Tuebingen
Classification: Likely benign. Last evaluated: 2026-07-01. Review status: criteria provided, single submitter. Criteria: CeGaT Center For Human Genetics Tuebingen Variant Classification Criteria Version 2. Collection method: clinical testing. Allele origin: germline. Affected: yes. Observed: 11 variant alleles.
Comment: FAT4: BP4

Labcorp Genetics (formerly Invitae), Labcorp
Classification: Benign. Last evaluated: 2026-02-01. Review status: criteria provided, single submitter. Criteria: Invitae Variant Classification Sherloc (09022015). Collection method: clinical testing. Allele origin: germline.

ARUP Laboratories, Molecular Genetics and Genomics, ARUP Laboratories
Classification: Likely benign. Last evaluated: 2025-07-03. Review status: criteria provided, single submitter. Criteria: ARUP Molecular Germline Variant Investigation Process 2024. Collection method: clinical testing. Allele origin: germline.

Blueprint Genetics
Classification: Likely benign. Last evaluated: 2024-11-25. Review status: criteria provided, single submitter. Criteria: ACMG Guidelines, 2015. Collection method: clinical testing. Allele origin: germline.

GeneDx
Classification: Benign. Last evaluated: 2019-05-17. Review status: criteria provided, single submitter. Criteria: GeneDx Variant Classification Process June 2021. Collection method: clinical testing. Allele origin: germline. Affected: yes.
Comment: This variant is associated with the following publications: (PMID: 24074368)

Breakthrough Genomics
Classification: Benign. Review status: criteria provided, single submitter. Criteria: ACMG Guidelines, 2015. Collection method: not provided. Allele origin: germline. Inheritance: Autosomal recessive inheritance. Affected: yes.

PreventionGenetics, part of Exact Sciences
Classification: Likely benign for FAT4-related condition. Last evaluated: 2019-06-24. Review status: no assertion criteria provided. Collection method: clinical testing. Allele origin: germline. Not counted in ClinVar's aggregate classification.
Comment: This variant is classified as likely benign based on ACMG/AMP sequence variant interpretation guidelines (Richards et al. 2015 PMID: 25741868, with internal and published modifications).

Clinical Genetics DNA and cytogenetics Diagnostics Lab, Erasmus MC, Erasmus Medical Center
Classification: Uncertain significance. Review status: no assertion criteria provided. Collection method: clinical testing. Allele origin: germline. Affected: yes. Study: VKGL Data-share Consensus. Not counted in ClinVar's aggregate classification.

Genome Diagnostics Laboratory, Amsterdam University Medical Center
Classification: Uncertain significance. Review status: no assertion criteria provided. Collection method: clinical testing. Allele origin: germline. Affected: yes. Study: VKGL Data-share Consensus. Not counted in ClinVar's aggregate classification.

NM_001291303.3(FAT4):c.3402A>T (p.Glu1134Asp)

Gene: FAT4 (FAT atypical cadherin 4; plus strand). Cytogenetic location: 4q28.1.
Variant type: single nucleotide variant.
Coding change: c.3402A>T on transcript NM_001291303.3 (MANE Select); coding-DNA position 3402, A replaced by T.
Protein change: p.Glu1134Asp; replaces glutamic acid 1134 with aspartic acid.
Molecular consequence: missense variant.
Genome position (GRCh38, 1-based): chr4:125,319,813, A>T. VCF-style: chr4-125319813-A-T. GRCh37 (hg19) VCF-style: chr4-126240968-A-T.
Other names: c.3402A>T, p.Glu1134Asp (NM_001291285.3, NM_024582.6); short protein forms E1134D.
Identifiers: ClinVar variation 385548 (VCV000385548.41), dbSNP rs144768563, ClinGen allele CA3072302.